The following is an entry in ClinVar:

ClinVar aggregate classification (germline): Pathogenic (1 of 4 stars; one submission).

Conditions:
Primary ciliary dyskinesia 30. Also called: CILIARY DYSKINESIA, PRIMARY, 30, WITH OR WITHOUT SITUS INVERSUS. Identifiers: Orphanet 244, MedGen C4015016, MONDO:0014465, OMIM 616037.

Submission:

Labcorp Genetics (formerly Invitae), Labcorp
Classification: Pathogenic for Primary ciliary dyskinesia 30. Last evaluated: 2024-12-26. Review status: criteria provided, single submitter. Criteria: Invitae Variant Classification Sherloc (09022015). Collection method: clinical testing. Allele origin: germline.
Comment: This sequence change creates a premature translational stop signal (p.Arg529Alafs*7) in the CCDC151 gene. It is expected to result in an absent or disrupted protein product. Loss-of-function variants in CCDC151 are known to be pathogenic (PMID: 25192045). This variant is present in population databases (no rsID available, gnomAD 0.003%). This variant has not been reported in the literature in individuals affected with CCDC151-related conditions. For these reasons, this variant has been classified as Pathogenic.

Literature cited by the submitters: PubMed 25192045.

NM_145045.5(ODAD3):c.1585del (p.Arg529fs)

Gene: ODAD3 (outer dynein arm docking complex subunit 3; minus strand). Cytogenetic location: 19p13.2.
Variant type: Deletion.
Coding change: c.1585del on transcript NM_145045.5 (MANE Select); coding-DNA position 1585, one base deleted (C; older notation c.1585delC).
Protein change: p.Arg529fs; shifts the reading frame from arginine 529.
Molecular consequence: frameshift variant.
Genome position (GRCh38, 1-based): chr19:11,421,682, G deleted on the plus strand (C on the coding strand, the reverse complement: ODAD3 is on the minus strand); the first of 2 consecutive G bases (chr19:11,421,682-11,421,683); deleting either gives the same sequence. VCF-style (leftmost placement, unchanged base first): chr19-11421681-CG-C. GRCh37 (hg19) VCF-style: chr19-11532349-CG-C.
Other names: c.1423del, p.Arg475fs (NM_001302453.1); c.1405del, p.Arg469fs (NM_001302454.2); short protein forms R469fs, R475fs, R529fs.
Identifiers: ClinVar variation 3701029 (VCV003701029.2).